The following is an entry in ClinVar:

NM_006914.4(RORB):c.1138A>C (p.Lys380Gln)

Gene: RORB (RAR related orphan receptor B; plus strand). Cytogenetic location: 9q21.13.
Variant type: single nucleotide variant.
Coding change: c.1138A>C on transcript NM_006914.4 (MANE Select); coding-DNA position 1138, A replaced by C.
Protein change: p.Lys380Gln; replaces lysine 380 with glutamine.
Molecular consequence: missense variant.
Genome position (GRCh38, 1-based): chr9:74,671,815, A>C. VCF-style: chr9-74671815-A-C. GRCh37 (hg19) VCF-style: chr9-77286731-A-C.
Other names: c.1171A>C, p.Lys391Gln (NM_001365023.1); short protein forms K380Q, K391Q.
Identifiers: ClinVar variation 2781122 (VCV002781122.3), dbSNP rs1238554541, ClinGen allele CA373771645.
Genomic context (GRCh38, chr9:74,671,815, plus strand): 5'-GTTCCCTCCACTTACCCACTCTTTCTTTCATCAGACCGAGCCTGGCTTATAGAACCAAGG[A>C]AAGTCCAGAAGCTTCAGGAAAAAATTTATTTTGCACTTCAACATGTGATTCAGAAGAATC-3'
Protein context (NP_008845.2, residues 370-390): PDRAWLIEPR[Lys380Gln]VQKLQEKIYF

ClinVar aggregate classification (germline): Uncertain significance (1 of 4 stars; one submission).

Allele frequency attached by ClinVar (database versions not stated): TOPMed 0.00001.
gnomAD v4.1: 2 of 1,612,602 alleles (0.00012%); highest among the groups gnomAD compares: Non-Finnish European, 0.00017%; no homozygotes.

Submission:

Labcorp Genetics (formerly Invitae), Labcorp
Classification: Uncertain significance. Last evaluated: 2022-12-15. Review status: criteria provided, single submitter. Criteria: Invitae Variant Classification Sherloc (09022015). Collection method: clinical testing. Allele origin: germline.
Comment: This sequence change replaces lysine, which is basic and polar, with glutamine, which is neutral and polar, at codon 380 of the RORB protein (p.Lys380Gln). This variant is not present in population databases (gnomAD no frequency). This variant has not been reported in the literature in individuals affected with RORB-related conditions. Algorithms developed to predict the effect of missense changes on protein structure and function (SIFT, PolyPhen-2, Align-GVGD) all suggest that this variant is likely to be tolerated. In summary, the available evidence is currently insufficient to determine the role of this variant in disease. Therefore, it has been classified as a Variant of Uncertain Significance.